The following is an entry in ClinVar:

NM_018706.7(DHTKD1):c.2326G>A (p.Val776Met)

Gene: DHTKD1 (dehydrogenase E1 and transketolase domain containing 1; plus strand). Cytogenetic location: 10p14.
Variant type: single nucleotide variant.
Coding change: c.2326G>A on transcript NM_018706.7 (MANE Select); coding-DNA position 2326, G replaced by A.
Protein change: p.Val776Met; replaces valine 776 with methionine.
Molecular consequence: missense variant.
Genome position (GRCh38, 1-based): chr10:12,117,679, G>A. VCF-style: chr10-12117679-G-A. GRCh37 (hg19) VCF-style: chr10-12159678-G-A.
Other names: short protein forms V776M.
Identifiers: ClinVar variation 2640301 (VCV002640301.26), dbSNP rs200042516, ClinGen allele CA5408226.

ClinVar aggregate classification (germline): Uncertain significance. Review status: criteria provided, multiple submitters, no conflicts (2 of 4 stars). 2 submissions from 2 submitters: Uncertain significance (2). Last evaluated 2024-12-04.

Conditions:
2-aminoadipic 2-oxoadipic aciduria (AAKAD). Also called: Aminoadipic aciduria; ALPHA-AMINOADIPIC AND ALPHA-KETOADIPIC ACIDURIA. Identifiers: Orphanet 79154, MedGen C1859817, MONDO:0008774, OMIM 204750.

Allele frequency attached by ClinVar (database versions not stated): ExAC 0.00003; 1000 Genomes Project 0.00040; 1000 Genomes Project 30x 0.00047.
gnomAD v4.1: 43 of 1,595,626 alleles (0.0027%); highest among the groups gnomAD compares: South Asian, 0.011%; 1 homozygote.

Submissions (2):

Labcorp Genetics (formerly Invitae), Labcorp
Classification: Uncertain significance for 2-aminoadipic 2-oxoadipic aciduria. Last evaluated: 2024-12-04. Review status: criteria provided, single submitter. Criteria: Invitae Variant Classification Sherloc (09022015). Collection method: clinical testing. Allele origin: germline.
Comment: This sequence change replaces valine, which is neutral and non-polar, with methionine, which is neutral and non-polar, at codon 776 of the DHTKD1 protein (p.Val776Met). The frequency data for this variant in the population databases is considered unreliable, as metrics indicate poor data quality at this position in the gnomAD database. This variant has not been reported in the literature in individuals affected with DHTKD1-related conditions. ClinVar contains an entry for this variant (Variation ID: 2640301). Invitae Evidence Modeling of protein sequence and biophysical properties (such as structural, functional, and spatial information, amino acid conservation, physicochemical variation, residue mobility, and thermodynamic stability) indicates that this missense variant is not expected to disrupt DHTKD1 protein function with a negative predictive value of 80%. In summary, the available evidence is currently insufficient to determine the role of this variant in disease. Therefore, it has been classified as a Variant of Uncertain Significance.

CeGaT Center for Human Genetics Tuebingen
Classification: Uncertain significance. Last evaluated: 2022-11-01. Review status: criteria provided, single submitter. Criteria: CeGaT Center For Human Genetics Tuebingen Variant Classification Criteria Version 2. Collection method: clinical testing. Allele origin: germline. Affected: yes. Observed: 1 variant allele.